The following is an entry in ClinVar:

NM_021830.5(TWNK):c.1597G>A (p.Ala533Thr)

Gene: TWNK (twinkle mtDNA helicase; plus strand). Cytogenetic location: 10q24.31.
Variant type: single nucleotide variant.
Coding change: c.1597G>A on transcript NM_021830.5 (MANE Select); coding-DNA position 1597, G replaced by A.
Protein change: p.Ala533Thr; replaces alanine 533 with threonine.
Molecular consequence: missense variant. On other transcripts: non-coding transcript variant (5).
Genome position (GRCh38, 1-based): chr10:100,990,873, G>A. VCF-style: chr10-100990873-G-A. GRCh37 (hg19) VCF-style: chr10-102750630-G-A.
Other names: p.Ala533Thr; c.1597G>A, p.Ala533Thr (NM_001163812.2); c.235G>A, p.Ala79Thr (NM_001163813.2, NM_001163814.2, NM_001368275.1); short protein forms A79T, A533T.
Identifiers: ClinVar variation 878940 (VCV000878940.13), dbSNP rs139124415, ClinGen allele CA5653292.

ClinVar aggregate classification (germline): Conflicting classifications of pathogenicity. Review status: criteria provided, conflicting classifications (1 of 4 stars). 8 submissions from 5 submitters: Uncertain significance (7); Likely benign (1). Last evaluated 2026-01-23.

Conditions:
Autosomal recessive cerebellar ataxia. Also called: Spinocerebellar Ataxia, Recessive; Spinocerebellar ataxia, autosomal recessive. Identifiers: Orphanet 1172, MedGen C5575375, MONDO:0015244.
Infantile onset spinocerebellar ataxia (MTDPS7). Also called: Mitochondrial DNA depletion syndrome 7 (hepatocerebral type); OPHTHALMOPLEGIA, HYPOTONIA, ATAXIA, HYPOACUSIS, AND ATHETOSIS; OHAHA SYNDROME; SPINOCEREBELLAR ATAXIA, INFANTILE, WITH SENSORY NEUROPATHY. Identifiers: Orphanet 1186, MedGen C1849096, MONDO:0010060, OMIM 271245.
Progressive external ophthalmoplegia with mitochondrial DNA deletions, autosomal dominant 3. Also called: PROGRESSIVE EXTERNAL OPHTHALMOPLEGIA, AUTOSOMAL DOMINANT 3. Identifiers: MedGen C1836439, MONDO:0012241, OMIM 609286.
Sensory ataxic neuropathy, dysarthria, and ophthalmoparesis (SANDO). Also called: Sensory ataxic neuropathy-dysarthria-ophthalmoparesis syndrome; SENSORY ATAXIC NEUROPATHY WITH MITOCHONDRIAL DNA DELETIONS, AUTOSOMAL RECESSIVE; Ataxia Neuropathy Spectrum (ANS); Epilepsy, progressive myoclonic, type 5. Identifiers: Orphanet 70595, MedGen C1843851, MONDO:0011835, OMIM 607459.
Perrault syndrome 5 (PRLTS5). Identifiers: Orphanet 2855, MedGen C4015307, MONDO:0014504, OMIM 616138.

Allele frequency attached by ClinVar (database versions not stated): ExAC 0.00003; gnomAD exomes 0.00003 and 0.00007; gnomAD 0.00004; TOPMed 0.00006; ESP Exome Variant Server 0.00008.
gnomAD v4.1: 54 of 1,614,054 alleles (0.0033%); highest among the groups gnomAD compares: African/African-American, 0.0027%; no homozygotes.

Submissions (8):

Labcorp Genetics (formerly Invitae), Labcorp
Classification: Likely benign. Last evaluated: 2026-01-23. Review status: criteria provided, single submitter. Criteria: Invitae Variant Classification Sherloc (09022015). Collection method: clinical testing. Allele origin: germline.

Mayo Clinic Laboratories, Mayo Clinic
Classification: Uncertain significance. Last evaluated: 2025-07-30. Review status: criteria provided, single submitter. Criteria: ACMG Guidelines, 2015. Collection method: clinical testing. Allele origin: germline. Observed: 1 variant allele.

GeneDx
Classification: Uncertain significance. Last evaluated: 2025-02-11. Review status: criteria provided, single submitter. Criteria: GeneDx Variant Classification Process June 2021. Collection method: clinical testing. Allele origin: germline.
Comment: In silico analysis indicates that this missense variant does not alter protein structure/function; Has not been previously published as pathogenic or benign to our knowledge

New York Genome Center
Classification: Uncertain significance for Infantile onset spinocerebellar ataxia; Perrault syndrome 5. Last evaluated: 2021-04-02. Review status: criteria provided, single submitter. Criteria: NYGC Assertion Criteria 2020. Collection method: clinical testing. Allele origin: inherited. Observed: 1 compound heterozygote. Study: CSER-NYCKidSeq.

Illumina Laboratory Services, Illumina
Classification: Uncertain significance for Infantile onset spinocerebellar ataxia. Last evaluated: 2018-01-12. Review status: criteria provided, single submitter. Criteria: ICSL Variant Classification Criteria 13 December 2019. Collection method: clinical testing. Allele origin: germline.

Illumina Laboratory Services, Illumina
Classification: Uncertain significance for Sensory ataxic neuropathy-dysarthria-ophthalmoparesis syndrome. Last evaluated: 2018-01-12. Review status: criteria provided, single submitter. Criteria: ICSL Variant Classification Criteria 13 December 2019. Collection method: clinical testing. Allele origin: germline.

Illumina Laboratory Services, Illumina
Classification: Uncertain significance for Progressive external ophthalmoplegia with mitochondrial DNA deletions, autosomal dominant 3. Last evaluated: 2018-01-12. Review status: criteria provided, single submitter. Criteria: ICSL Variant Classification Criteria 13 December 2019. Collection method: clinical testing. Allele origin: germline.

Illumina Laboratory Services, Illumina
Classification: Uncertain significance for Autosomal recessive cerebellar ataxia. Last evaluated: 2018-01-12. Review status: criteria provided, single submitter. Criteria: ICSL Variant Classification Criteria 13 December 2019. Collection method: clinical testing. Allele origin: germline.